The following is an entry in ClinVar:

NM_000143.4(FH):c.1056_1091dup (p.Gly364_Ser365insLeuGlyGluLeuIleLeuProGluAsnGluProGly)

Gene: FH (fumarate hydratase; minus strand). Cytogenetic location: 1q43.
Variant type: Duplication.
Coding change: c.1056_1091dup on transcript NM_000143.4 (MANE Select); coding-DNA positions 1056 to 1091, 36 bases duplicated.
Protein change: p.Gly364_Ser365insLeuGlyGluLeuIleLeuProGluAsnGluProGly.
Molecular consequence: inframe insertion.
Genome position (GRCh38, 1-based): chr1:241,504,059-241,504,094, 36 bases duplicated; duplicating any 36 consecutive bases within chr1:241,504,059-241,504,098 gives the same sequence; the c. name uses the placement nearest the transcript's 3' end. GRCh37 (hg19): chr1:241,667,363-241,667,398.
Identifiers: ClinVar variation 1709012 (VCV001709012.2), dbSNP rs2527319095, ClinGen allele CA2580063485.

ClinVar aggregate classification (germline): Uncertain significance (1 of 4 stars; one submission).

Conditions:
Hereditary leiomyomatosis and renal cell cancer. Also called: LEIOMYOMA, MULTIPLE CUTANEOUS; MULTIPLE CUTANEOUS AND UTERINE LEIOMYOMATA 1, WITH OR WITHOUT RENAL CELL CARCINOMA; FH tumor predisposition syndrome; Reed syndrome; Multiple cutaneous and uterine leiomyomatosis; Cutaneous leiomyomata with uterine leiomyomata. Identifiers: Orphanet 523, MedGen C1708350, MONDO:0007888, OMIM 150800, HP:0007437. Disease mechanism: loss of function.

Submission:

MGZ Medical Genetics Center
Classification: Uncertain significance for Hereditary leiomyomatosis and renal cell cancer. Last evaluated: 2021-12-09. Review status: criteria provided, single submitter. Criteria: ACMG Guidelines, 2015. Collection method: clinical testing. Allele origin: germline. Affected: yes. Observed: 1 variant allele.
Comment: ACMG criteria applied: PM4, PM2_SUP, PP4